The following is an entry in ClinVar:

NM_153710.5(STKLD1):c.98A>G (p.Gln33Arg)

Gene: STKLD1 (serine/threonine kinase like domain containing 1; plus strand). Cytogenetic location: 9q34.2.
Variant type: single nucleotide variant.
Coding change: c.98A>G on transcript NM_153710.5 (MANE Select); coding-DNA position 98, A replaced by G.
Protein change: p.Gln33Arg; replaces glutamine 33 with arginine.
Molecular consequence: missense variant. On other transcripts: non-coding transcript variant (1).
Genome position (GRCh38, 1-based): chr9:133,379,046, A>G. VCF-style: chr9-133379046-A-G. GRCh37 (hg19) VCF-style: chr9-136245917-A-G.
Other names: short protein forms Q33R.
Identifiers: ClinVar variation 3053474 (VCV003053474.2), dbSNP rs146900935, ClinGen allele CA200851814.

ClinVar aggregate classification (germline): Likely benign (0 of 4 stars; one submission).

Conditions:
STKLD1-related disorder. Also called: STKLD1-related condition.

Allele frequency attached by ClinVar (database versions not stated): gnomAD exomes 0.00016; gnomAD 0.00113; TOPMed 0.00143; 1000 Genomes Project 30x 0.00172.
gnomAD v4.1: 409 of 1,613,922 alleles (0.025%); highest among the groups gnomAD compares: African/African-American, 0.4%; no homozygotes.

Submission:

PreventionGenetics, part of Exact Sciences
Classification: Likely benign for STKLD1-related condition. Last evaluated: 2022-07-28. Review status: no assertion criteria provided. Collection method: clinical testing. Allele origin: germline.
Comment: This variant is classified as likely benign based on ACMG/AMP sequence variant interpretation guidelines (Richards et al. 2015 PMID: 25741868, with internal and published modifications).